The following is an entry in ClinVar:

NM_001382273.1(TNK2):c.3120C>T (p.Ala1040=)

Gene: TNK2 (tyrosine kinase non receptor 2; minus strand). Cytogenetic location: 3q29.
Variant type: single nucleotide variant.
Coding change: c.3120C>T on transcript NM_001382273.1 (MANE Select); coding-DNA position 3120, C replaced by T.
Protein change: p.Ala1040=; no amino-acid change (alanine 1040 retained).
Molecular consequence: synonymous variant. On other transcripts: non-coding transcript variant (15).
Genome position (GRCh38, 1-based): chr3:195,866,930, G>A on the plus strand (C>T on the coding strand, the complement: TNK2 is on the minus strand). VCF-style: chr3-195866930-G-A. GRCh37 (hg19) VCF-style: chr3-195593801-G-A.
Other names: c.3096C>T, p.Ala1032= (NM_001010938.2); c.3075C>T, p.Ala1025= (NM_001308046.2, NM_001386164.1, NM_001387709.1 and 3 more transcripts); c.3171C>T, p.Ala1057= (NM_001382271.1); c.3192C>T, p.Ala1064= (NM_001382272.1); c.3120C>T, p.Ala1040= (NM_001382274.1, NM_001382275.1); c.3216C>T, p.Ala1072= (NM_001387707.1); c.3147C>T, p.Ala1049= (NM_001387708.1); c.3069C>T, p.Ala1023= (NM_001387713.1, NM_001387714.1, NM_005781.5); and 3 more.
Identifiers: ClinVar variation 2654498 (VCV002654498.24), dbSNP rs778680851, ClinGen allele CA2775655.

ClinVar aggregate classification (germline): Likely benign (1 of 4 stars; one submission).

Allele frequency attached by ClinVar (database versions not stated): gnomAD 0.00003; TOPMed 0.00003.

Submission:

CeGaT Center for Human Genetics Tuebingen
Classification: Likely benign. Last evaluated: 2022-07-01. Review status: criteria provided, single submitter. Criteria: CeGaT Center For Human Genetics Tuebingen Variant Classification Criteria Version 2. Collection method: clinical testing. Allele origin: germline. Affected: yes. Observed: 1 variant allele.
Comment: TNK2: BP4, BP7